The following is an entry in ClinVar:

NM_001079.4(ZAP70):c.1699G>A (p.Glu567Lys)

Gene: ZAP70 (zeta chain of T cell receptor associated protein kinase 70; plus strand). Cytogenetic location: 2q11.2.
Variant type: single nucleotide variant.
Coding change: c.1699G>A on transcript NM_001079.4 (MANE Select); coding-DNA position 1699, G replaced by A.
Protein change: p.Glu567Lys; replaces glutamic acid 567 with lysine.
Molecular consequence: missense variant.
Genome position (GRCh38, 1-based): chr2:97,738,070, G>A. VCF-style: chr2-97738070-G-A. GRCh37 (hg19) VCF-style: chr2-98354533-G-A.
Other names: c.1699G>A, p.Glu567Lys (NM_001378594.1); c.778G>A, p.Glu260Lys (NM_207519.2); short protein forms E260K, E567K.
Identifiers: ClinVar variation 2077069 (VCV002077069.4), dbSNP rs757015607, ClinGen allele CA1790538.

ClinVar aggregate classification (germline): Uncertain significance. Review status: criteria provided, multiple submitters, no conflicts (2 of 4 stars). 2 submissions from 2 submitters: Uncertain significance (2). Last evaluated 2024-10-16.

Conditions:
Combined immunodeficiency due to ZAP70 deficiency (IMD48). Also called: Immunodeficiency 48; ZAP70 Deficiency. Identifiers: Orphanet 911, MedGen C2931299, MONDO:0010023, OMIM 269840.

Allele frequency attached by ClinVar (database versions not stated): gnomAD 0.00001; TOPMed 0.00001; gnomAD exomes 0.00002; ExAC 0.00008.
gnomAD v4.1: 34 of 1,609,896 alleles (0.0021%); highest among the groups gnomAD compares: South Asian, 0.018%; no homozygotes.

Submissions (2):

Labcorp Genetics (formerly Invitae), Labcorp
Classification: Uncertain significance for Combined immunodeficiency due to ZAP70 deficiency. Last evaluated: 2024-10-16. Review status: criteria provided, single submitter. Criteria: Invitae Variant Classification Sherloc (09022015). Collection method: clinical testing. Allele origin: germline.
Comment: This sequence change replaces glutamic acid, which is acidic and polar, with lysine, which is basic and polar, at codon 567 of the ZAP70 protein (p.Glu567Lys). The frequency data for this variant in the population databases is considered unreliable, as metrics indicate poor data quality at this position in the gnomAD database. This variant has not been reported in the literature in individuals affected with ZAP70-related conditions. ClinVar contains an entry for this variant (Variation ID: 2077069). An algorithm developed to predict the effect of missense changes on protein structure and function (PolyPhen-2) suggests that this variant¬†is likely to be tolerated. In summary, the available evidence is currently insufficient to determine the role of this variant in disease. Therefore, it has been classified as a Variant of Uncertain Significance.

Blueprint Genetics
Classification: Uncertain significance. Last evaluated: 2021-03-10. Review status: criteria provided, single submitter. Criteria: ACMG Guidelines, 2015. Collection method: clinical testing. Allele origin: germline.